The following is an entry in ClinVar:

NM_001211.6(BUB1B):c.3125C>G (p.Thr1042Ser)

Genes: BUB1B (BUB1 mitotic checkpoint serine/threonine kinase B; plus strand), BUB1B-PAK6 (BUB1B-PAK6 readthrough; plus strand). Cytogenetic location: 15q15.1.
Variant type: single nucleotide variant.
Coding change: c.3125C>G on transcript NM_001211.6 (MANE Select); coding-DNA position 3125, C replaced by G.
Protein change: p.Thr1042Ser; replaces threonine 1042 with serine.
Molecular consequence: missense variant. On other transcripts: intron variant (2).
Genome position (GRCh38, 1-based): chr15:40,220,731, C>G. VCF-style: chr15-40220731-C-G. GRCh37 (hg19) VCF-style: chr15-40512932-C-G.
Other names: c.-201+3064C>G (NM_001128628.3); c.-118+3064C>G (NM_001128629.3); short protein forms T1042S.
Identifiers: ClinVar variation 1727886 (VCV001727886.2), dbSNP rs764992665, ClinGen allele CA7476199.

ClinVar aggregate classification (germline): Uncertain significance (1 of 4 stars; one submission).

Conditions:
Inborn genetic diseases. Identifiers: MedGen C0950123, MeSH D030342.

Allele frequency attached by ClinVar (database versions not stated): TOPMed below 0.00001; ExAC 0.00001; gnomAD 0.00001; gnomAD exomes 0.00001.
gnomAD v4.1: 5 of 1,614,036 alleles (0.00031%); highest among the groups gnomAD compares: East Asian, 0.0089%; no homozygotes.

Submission:

Ambry Genetics
Classification: Uncertain significance for Inborn genetic diseases. Last evaluated: 2021-11-05. Review status: criteria provided, single submitter. Criteria: Ambry Variant Classification Scheme 2023. Collection method: clinical testing. Allele origin: germline.
Comment: The p.T1042S variant (also known as c.3125C>G), located in coding exon 23 of the BUB1B gene, results from a C to G substitution at nucleotide position 3125. The threonine at codon 1042 is replaced by serine, an amino acid with similar properties. This amino acid position is conserved. In addition, this alteration is predicted to be tolerated by in silico analysis. Since supporting evidence is limited at this time, the clinical significance of this alteration remains unclear.